The following is an entry in ClinVar:

NM_005263.5(GFI1):c.1188C>T (p.Phe396=)

Genes: GFI1 (growth factor independent 1 transcriptional repressor; minus strand), LOC129930930 (ATAC-STARR-seq lymphoblastoid active region 1314; plus strand). Cytogenetic location: 1p22.1.
Variant type: single nucleotide variant.
Coding change: c.1188C>T on transcript NM_005263.5 (MANE Select); coding-DNA position 1188, C replaced by T.
Protein change: p.Phe396=; no amino-acid change (phenylalanine 396 retained).
Molecular consequence: synonymous variant.
Genome position (GRCh38, 1-based): chr1:92,476,110, G>A on the plus strand (C>T on the coding strand, the complement: GFI1 is on the minus strand). VCF-style: chr1-92476110-G-A. GRCh37 (hg19) VCF-style: chr1-92941667-G-A.
Other names: c.1188C>T, p.Phe396= (NM_001127215.3, NM_001127216.3).
Identifiers: ClinVar variation 298177 (VCV000298177.45), dbSNP rs374783582, ClinGen allele CA951228.

ClinVar aggregate classification (germline): Benign/Likely benign. Review status: criteria provided, multiple submitters, no conflicts (2 of 4 stars). 4 submissions from 4 submitters: Benign (1); Likely benign (2). 1 of the submissions does not count toward it. Last evaluated 2025-12-16.

Conditions:
GFI1-related disorder. Also called: GFI1-related condition.
Neutropenia, severe congenital, 2, autosomal dominant. Identifiers: Orphanet 486, MedGen C2751288, MONDO:0013139, OMIM 613107.

Allele frequency attached by ClinVar (database versions not stated): gnomAD exomes 0.00004 and 0.00013; gnomAD 0.00005 and 0.00006; ESP Exome Variant Server 0.00008; TOPMed 0.00008; ExAC 0.00019.
gnomAD v4.1: 62 of 1,613,932 alleles (0.0038%); highest among the groups gnomAD compares: Admixed American, 0.042%; no homozygotes.

Submissions (4):

Labcorp Genetics (formerly Invitae), Labcorp
Classification: Benign for Neutropenia, severe congenital, 2, autosomal dominant. Last evaluated: 2025-12-16. Review status: criteria provided, single submitter. Criteria: Invitae Variant Classification Sherloc (09022015). Collection method: clinical testing. Allele origin: germline.

Ambry Genetics
Classification: Likely benign. Last evaluated: 2024-11-24. Review status: criteria provided, single submitter. Criteria: Ambry Variant Classification Scheme 2023. Collection method: clinical testing. Allele origin: germline.

CeGaT Center for Human Genetics Tuebingen
Classification: Likely benign. Last evaluated: 2022-03-01. Review status: criteria provided, single submitter. Criteria: CeGaT Center For Human Genetics Tuebingen Variant Classification Criteria Version 2. Collection method: clinical testing. Allele origin: germline. Affected: yes. Observed: 1 variant allele.
Comment: GFI1: BP4, BP7

PreventionGenetics, part of Exact Sciences
Classification: Likely benign for GFI1-related condition. Last evaluated: 2020-08-31. Review status: no assertion criteria provided. Collection method: clinical testing. Allele origin: germline. Not counted in ClinVar's aggregate classification.
Comment: This variant is classified as likely benign based on ACMG/AMP sequence variant interpretation guidelines (Richards et al. 2015 PMID: 25741868, with internal and published modifications).